The following is an entry in ClinVar:

NM_002340.6(LSS):c.232C>G (p.Leu78Val)

Gene: LSS (lanosterol synthase; minus strand). Cytogenetic location: 21q22.3.
Variant type: single nucleotide variant.
Coding change: c.232C>G on transcript NM_002340.6 (MANE Select); coding-DNA position 232, C replaced by G.
Protein change: p.Leu78Val; replaces leucine 78 with valine.
Molecular consequence: missense variant. On other transcripts: 5 prime UTR variant (1).
Genome position (GRCh38, 1-based): chr21:46,227,639, G>C on the plus strand (C>G on the coding strand, the complement: LSS is on the minus strand). VCF-style: chr21-46227639-G-C. GRCh37 (hg19) VCF-style: chr21-47647553-G-C.
Other names: c.232C>G, p.Leu78Val (NM_001001438.3, NM_001145436.2); c.-9C>G (NM_001145437.2); short protein forms L78V.
Identifiers: ClinVar variation 1065601 (VCV001065601.1), dbSNP rs748127679, ClinGen allele CA10075548.

ClinVar aggregate classification (germline): Uncertain significance (0 of 4 stars; one submission).

Conditions:
Developmental cataract. Also called: Congenital cataracts; Bilateral cataracts; Congenital cataract. Identifiers: MedGen C0009691, HP:0000519.

Allele frequency attached by ClinVar (database versions not stated): gnomAD exomes below 0.00001; ExAC 0.00001; TOPMed 0.00002; gnomAD 0.00003.
gnomAD v4.1: 38 of 1,613,596 alleles (0.0024%); highest among the groups gnomAD compares: Non-Finnish European, 0.0031%; no homozygotes.

Submission:

Dept. Genetics and Cancer, Menzies Institute for Medical Research, University of Tasmania
Classification: Uncertain significance for Developmental cataract. Last evaluated: 2021-05-01. Review status: no assertion criteria provided. Criteria: ACMG Guidelines, 2015. Collection method: research. Allele origin: germline. Affected: yes.
Comment: PM2. Absent/near absent from population databases. BS4, BP4. Lack of segregation with affected members of the family. Multiple predictive tools assess the amino acid change as non-pathogenic.